The following is an entry in ClinVar:

NM_006236.3(POU3F3):c.1070A>G (p.Gln357Arg)

Gene: POU3F3 (POU class 3 homeobox 3; plus strand). Cytogenetic location: 2q12.1.
Variant type: single nucleotide variant.
Coding change: c.1070A>G on transcript NM_006236.3 (MANE Select); coding-DNA position 1070, A replaced by G.
Protein change: p.Gln357Arg; replaces glutamine 357 with arginine.
Molecular consequence: missense variant.
Genome position (GRCh38, 1-based): chr2:104,856,580, A>G. VCF-style: chr2-104856580-A-G. GRCh37 (hg19) VCF-style: chr2-105473038-A-G.
Other names: short protein forms Q357R.
Identifiers: ClinVar variation 1307061 (VCV001307061.2), dbSNP rs2104341033, ClinGen allele CA348098131.

ClinVar aggregate classification (germline): Uncertain significance (1 of 4 stars; one submission).

Submission:

GeneDx
Classification: Uncertain significance. Last evaluated: 2019-08-08. Review status: criteria provided, single submitter. Criteria: GeneDx Variant Classification Process June 2021. Collection method: clinical testing. Allele origin: germline. Affected: yes.
Comment: Not observed in large population cohorts (Lek et al., 2016); In silico analysis, which includes protein predictors and evolutionary conservation, supports a deleterious effect; Has not been previously published as pathogenic or benign to our knowledge; Variants in candidate genes are classified as variants of uncertain significance in accordance with ACMG guidelines (Richards et al., 2015)